The following is an entry in ClinVar:

ClinVar aggregate classification (germline): Uncertain significance. Review status: criteria provided, multiple submitters, no conflicts (2 of 4 stars). 2 submissions from 2 submitters: Uncertain significance (2). Last evaluated 2021-03-28.

Conditions:
Familial thoracic aortic aneurysm and aortic dissection (TAAD). Also called: Thoracic aortic aneurysms and dissections. Identifiers: Orphanet 91387, MedGen C4707243, MONDO:0019625.
Marfan syndrome (MFS). Also called: Marfan syndrome, classic; Marfan syndrome type 1; Marfan's syndrome; FBN1-Related Marfan Syndrome; MARFAN SYNDROME, TYPE I. Identifiers: Orphanet 284963, Orphanet 558, MedGen C0024796, MONDO:0007947, OMIM 154700.

Allele frequency attached by ClinVar (database versions not stated): gnomAD exomes below 0.00001.
gnomAD v4.1: 2 of 1,613,792 alleles (0.00012%); highest among the groups gnomAD compares: Non-Finnish European, 0.000085%; no homozygotes.

Submissions (2):

Labcorp Genetics (formerly Invitae), Labcorp
Classification: Uncertain significance for Marfan syndrome; Familial thoracic aortic aneurysm and aortic dissection. Last evaluated: 2021-03-28. Review status: criteria provided, single submitter. Criteria: Invitae Variant Classification Sherloc (09022015). Collection method: clinical testing. Allele origin: germline.
Comment: This sequence change replaces asparagine with serine at codon 772 of the FBN1 protein (p.Asn772Ser). The asparagine residue is highly conserved and there is a small physicochemical difference between asparagine and serine. In summary, the available evidence is currently insufficient to determine the role of this variant in disease. Therefore, it has been classified as a Variant of Uncertain Significance. Algorithms developed to predict the effect of missense changes on protein structure and function (SIFT, PolyPhen-2, Align-GVGD) all suggest that this variant is likely to be disruptive, but these predictions have not been confirmed by published functional studies and their clinical significance is uncertain. This variant has not been reported in the literature in individuals with FBN1-related conditions. ClinVar contains an entry for this variant (Variation ID: 925034). This variant is not present in population databases (ExAC no frequency).

Color Diagnostics, LLC DBA Color Health
Classification: Uncertain significance for Familial thoracic aortic aneurysm and aortic dissection. Last evaluated: 2019-01-08. Review status: criteria provided, single submitter. Criteria: ACMG Guidelines, 2015. Collection method: clinical testing. Allele origin: germline.
Comment: Variant of Uncertain Significance due to insufficient evidence: This missense variant is located in the calcium-binding EGF-like motif 12 of the FBN1 protein. Computational prediction tools and conservation analyses are inconclusive regarding the impact of this variant on the protein function. Computational splicing tools suggest that this variant may not impact RNA splicing. To our knowledge, functional assays have not been performed for this variant nor has this variant been reported in individuals affected with cardiovascular disorders in the literature. This variant is rare in the general population and has been identified in 0/277264 chromosomes by the Genome Aggregation Database (gnomAD). Available evidence is insufficient to determine the role of this variant in disease conclusively.

NM_000138.5(FBN1):c.2315A>G (p.Asn772Ser)

Gene: FBN1 (fibrillin 1; minus strand). Cytogenetic location: 15q21.1.
Variant type: single nucleotide variant.
Coding change: c.2315A>G on transcript NM_000138.5 (MANE Select); coding-DNA position 2315, A replaced by G.
Protein change: p.Asn772Ser; replaces asparagine 772 with serine.
Molecular consequence: missense variant.
Genome position (GRCh38, 1-based): chr15:48,496,204, T>C on the plus strand (A>G on the coding strand, the complement: FBN1 is on the minus strand). VCF-style: chr15-48496204-T-C. GRCh37 (hg19) VCF-style: chr15-48788401-T-C.
Other names: short protein forms N772S.
Identifiers: ClinVar variation 925034 (VCV000925034.11), dbSNP rs2043607383, ClinGen allele CA392335517.